The following is an entry in ClinVar:

ClinVar aggregate classification (germline): Conflicting classifications of pathogenicity. Review status: criteria provided, conflicting classifications (1 of 4 stars). 3 submissions from 3 submitters: Uncertain significance (1); Likely benign (2). Last evaluated 2024-05-21.

Conditions:
Hereditary cancer-predisposing syndrome. Also called: Tumor predisposition; Hereditary Cancer Syndrome; Hereditary neoplastic syndrome; Neoplastic Syndromes, Hereditary. Identifiers: Orphanet 140162, MedGen C0027672, MeSH D009386, MONDO:0015356.
Familial adenomatous polyposis 2. Also called: COLORECTAL ADENOMATOUS POLYPOSIS, AUTOSOMAL RECESSIVE; MUTYH Polyposis; MUTYH-associated polyposis; MUTYH-related attenuated familial adenomatous polyposis; Adenomas, multiple colorectal; ADENOMAS, MULTIPLE COLORECTAL, AUTOSOMAL RECESSIVE. Identifiers: Orphanet 220460, Orphanet 247798, MedGen C3272841, MONDO:0012041, OMIM 608456.

Allele frequency attached by ClinVar (database versions not stated): TOPMed below 0.00001; gnomAD 0.00001.
gnomAD v4.1: 1 of 1,613,878 alleles (0.000062%); highest among the groups gnomAD compares: African/African-American, 0.0013%; no homozygotes.

Submissions (3):

Labcorp Genetics (formerly Invitae), Labcorp
Classification: Likely benign for Familial adenomatous polyposis 2. Last evaluated: 2024-05-21. Review status: criteria provided, single submitter. Criteria: Invitae Variant Classification Sherloc (09022015). Collection method: clinical testing. Allele origin: germline.

Ambry Genetics
Classification: Likely benign for Hereditary cancer-predisposing syndrome. Last evaluated: 2024-03-07. Review status: criteria provided, single submitter. Criteria: Ambry Variant Classification Scheme 2023. Collection method: clinical testing. Allele origin: germline.

GeneDx
Classification: Uncertain significance. Last evaluated: 2023-01-19. Review status: criteria provided, single submitter. Criteria: GeneDx Variant Classification Process June 2021. Collection method: clinical testing. Allele origin: germline. Affected: yes.
Comment: Not observed at significant frequency in large population cohorts (gnomAD); In silico analysis supports that this variant does not alter splicing; Has not been previously published as pathogenic or benign to our knowledge

NM_001048174.2(MUTYH):c.762C>T (p.Ala254=)

Gene: MUTYH (mutY DNA glycosylase; minus strand). Cytogenetic location: 1p34.1.
Variant type: single nucleotide variant.
Coding change: c.762C>T on transcript NM_001048174.2 (MANE Select); coding-DNA position 762, C replaced by T.
Protein change: p.Ala254=; no amino-acid change (alanine 254 retained).
Molecular consequence: synonymous variant. On other transcripts: non-coding transcript variant (2).
Genome position (GRCh38, 1-based): chr1:45,332,253, G>A on the plus strand (C>T on the coding strand, the complement: MUTYH is on the minus strand). VCF-style: chr1-45332253-G-A. GRCh37 (hg19) VCF-style: chr1-45797925-G-A.
Other names: c.762C>T, p.Ala254= (NM_001048171.2, NM_001048173.2, NM_001293195.2); c.765C>T, p.Ala255= (NM_001048172.2); c.846C>T, p.Ala282= (NM_001128425.2); c.807C>T, p.Ala269= (NM_001293190.2); c.795C>T, p.Ala265= (NM_001293191.2); c.486C>T, p.Ala162= (NM_001293192.2, NM_001293196.2); c.417C>T, p.Ala139= (NM_001350650.2, NM_001350651.2); c.837C>T, p.Ala279= (NM_012222.3).
Identifiers: ClinVar variation 414147 (VCV000414147.13), dbSNP rs1060504203, ClinGen allele CA16610135.